The following is an entry in ClinVar:

ClinVar aggregate classification (germline): Conflicting classifications of pathogenicity. Review status: criteria provided, conflicting classifications (1 of 4 stars). 8 submissions from 8 submitters: Uncertain significance (5); Likely benign (2). 1 of the submissions does not count toward it. Last evaluated 2026-06-29.

Conditions:
BRCA2-related disorder. Also called: BRCA2-related condition; BRCA2-related disorders. Identifiers: MedGen CN239275.
Hereditary cancer-predisposing syndrome. Also called: Hereditary Cancer Syndrome; Neoplastic Syndromes, Hereditary; Hereditary neoplastic syndrome; Tumor predisposition. Identifiers: Orphanet 140162, MedGen C0027672, MeSH D009386, MONDO:0015356.
Hereditary breast ovarian cancer syndrome. Also called: Hereditary breast and ovarian cancer syndrome; Breast and ovarian cancer; BRCA1- and BRCA2-Associated Hereditary Breast and Ovarian Cancer; Hereditary breast and/or ovarian cancer syndrome; Hereditary breast and ovarian cancer; Hereditary breast and ovarian cancer syndrome (HBOC). Identifiers: Orphanet 145, MedGen C0677776, MeSH D061325, MONDO:0003582. Disease mechanism: loss of function.
Breast-ovarian cancer, familial, susceptibility to, 2 (BROVCA2). Also called: BRCA2 Hereditary Breast and Ovarian Cancer. Identifiers: Orphanet 145, MedGen C2675520, MONDO:0012933, OMIM 612555. Disease mechanism: loss of function.

Allele frequency attached by ClinVar (database versions not stated): gnomAD exomes below 0.00001.
gnomAD v4.1: 3 of 1,571,516 alleles (0.00019%); highest among the groups gnomAD compares: Non-Finnish European, 0.00026%; no homozygotes.

Submissions (8):

PreventionGenetics, part of Exact Sciences
Classification: Uncertain significance for BRCA2-related condition. Last evaluated: 2026-06-29. Review status: criteria provided, single submitter. Criteria: ACMG Guidelines, 2015. Collection method: clinical testing. Allele origin: germline.
Comment: The BRCA2 c.6871A>G variant is predicted to result in the amino acid substitution p.Asn2291Asp. This variant has been reported in individuals with breast cancer (Breast Cancer Association Consortium et al. 2021. PubMed ID: 33471991) and in an individual with head and neck squamous cell carcinoma (Table S3, Chandrasekharappa et al. 2017. PubMed ID: 28678401). This variant has not been reported in a large population database (gnomAD), indicating this variant is rare. This variant has conflicting interpretations in ClinVar ranging from likely benign to uncertain (Variation ID: 52215). At this time, the clinical significance of this variant is uncertain due to the absence of conclusive functional and genetic evidence.

Labcorp Genetics (formerly Invitae), Labcorp
Classification: Likely benign for Hereditary breast ovarian cancer syndrome. Last evaluated: 2025-10-20. Review status: criteria provided, single submitter. Criteria: Invitae Variant Classification Sherloc (09022015). Collection method: clinical testing. Allele origin: germline.

Ambry Genetics
Classification: Uncertain significance for Hereditary cancer-predisposing syndrome. Last evaluated: 2024-08-27. Review status: criteria provided, single submitter. Criteria: Ambry Variant Classification Scheme 2023. Collection method: clinical testing. Allele origin: germline.
Comment: The p.N2291D variant (also known as c.6871A>G), located in coding exon 11 of the BRCA2 gene, results from an A to G substitution at nucleotide position 6871. The asparagine at codon 2291 is replaced by aspartic acid, an amino acid with highly similar properties. This amino acid position is not well conserved in available vertebrate species. In addition, the in silico prediction for this alteration is inconclusive. Since supporting evidence is limited at this time, the clinical significance of this alteration remains unclear.

Quest Diagnostics Nichols Institute San Juan Capistrano
Classification: Uncertain significance. Last evaluated: 2024-06-26. Review status: criteria provided, single submitter. Criteria: Quest Diagnostics criteria. Collection method: clinical testing. Allele origin: unknown.
Comment: The BRCA2 c.6871A>G (p.Asn2291Asp) variant has been reported in the published literature in a study with conflicting classifications from several in-silico predictive tools (PMID: 24817641 (2014)). This variant was reported in a multifactorial likelihood study (PMID: 31131967 (2019)) as well as in breast cancer cases in a large scale breast cancer association study (PMID: 33471991 (2021), see also LOVD). This variant has not been reported in large, multi-ethnic general populations (Genome Aggregation Database). Analysis of this variant using bioinformatics tools for the prediction of the effect of amino acid changes on protein structure and function yielded conflicting predictions that this variant is benign or damaging. Based on the available information, we are unable to determine the clinical significance of this variant.

All of Us Research Program, National Institutes of Health
Classification: Uncertain significance for Breast-ovarian cancer, familial, susceptibility to, 2. Last evaluated: 2023-12-13. Review status: criteria provided, single submitter. Criteria: ACMG Guidelines, 2015. Collection method: clinical testing. Allele origin: germline. Inheritance: Autosomal dominant inheritance. Observed: 3 variant alleles, 3 heterozygotes.
Comment: This missense variant replaces asparagine with aspartic acid at codon 2291 of the BRCA2 protein. Computational prediction suggests that this variant may not impact protein structure and function (internally defined REVEL score threshold <= 0.5, PMID: 27666373). To our knowledge, functional studies have not been reported for this variant. This variant has been reported in a breast cancer case-control meta-analysis in 3/60463 cases and absent in 53461 unaffected individuals (PMID: 33471991; Leiden Open Variation Database DB-ID BRCA2_002471), and a multifactorial analysis has reported co-occurrence and family history likelihood ratios for pathogenicity of 1.0246 and 0.3997, respectively (PMID: 31131967). This variant has not been identified in the general population by the Genome Aggregation Database (gnomAD). The available evidence is insufficient to determine the role of this variant in disease conclusively. Therefore, this variant is classified as a Variant of Uncertain Significance.

This study involves interpretation of variants in research participants for the purpose of population health screening. Participant phenotype was not available at the time of variant classification. Additional details can be found in publication PMID: 35346344, PMCID: PMC8962531

Color Diagnostics, LLC DBA Color Health
Classification: Uncertain significance for Hereditary cancer-predisposing syndrome. Last evaluated: 2023-11-01. Review status: criteria provided, single submitter. Criteria: ACMG Guidelines, 2015. Collection method: clinical testing. Allele origin: germline.
Comment: This missense variant replaces asparagine with aspartic acid at codon 2291 of the BRCA2 protein. Computational prediction suggests that this variant may not impact protein structure and function (internally defined REVEL score threshold <= 0.5, PMID: 27666373). To our knowledge, functional studies have not been reported for this variant. This variant has been reported in a breast cancer case-control meta-analysis in 3/60463 cases and absent in 53461 unaffected individuals (PMID: 33471991; Leiden Open Variation Database DB-ID BRCA2_002471), and a multifactorial analysis has reported co-occurrence and family history likelihood ratios for pathogenicity of 1.0246 and 0.3997, respectively (PMID: 31131967). This variant has not been identified in the general population by the Genome Aggregation Database (gnomAD). The available evidence is insufficient to determine the role of this variant in disease conclusively. Therefore, this variant is classified as a Variant of Uncertain Significance.

GeneDx
Classification: Likely benign. Last evaluated: 2019-12-12. Review status: criteria provided, single submitter. Criteria: GeneDx Variant Classification Process June 2021. Collection method: clinical testing. Allele origin: germline. Affected: yes.

Breast Cancer Information Core (BIC) (BRCA2)
Classification: Uncertain significance for Breast-ovarian cancer, familial 2. Last evaluated: 2002-05-29. Review status: no assertion criteria provided. Collection method: clinical testing. Allele origin: germline. Affected: yes. Observed: 1 variant allele. Not counted in ClinVar's aggregate classification.

Literature cited by the submitters: PubMed 31131967 (cited by 3 submitters); PubMed 33471991 (cited by 3 submitters); PubMed 24817641 (cited by Quest Diagnostics Nichols Institute San Juan Capistrano).

NM_000059.4(BRCA2):c.6871A>G (p.Asn2291Asp)

Gene: BRCA2 (BRCA2 DNA repair associated; plus strand). Cytogenetic location: 13q13.1.
Variant type: single nucleotide variant.
Coding change: c.6871A>G on transcript NM_000059.4 (MANE Select); coding-DNA position 6871, A replaced by G.
Protein change: p.Asn2291Asp; replaces asparagine 2291 with aspartic acid.
Molecular consequence: missense variant.
Genome position (GRCh38, 1-based): chr13:32,344,587, A>G. VCF-style: chr13-32344587-A-G. GRCh37 (hg19) VCF-style: chr13-32918724-A-G.
Other names: short protein forms N2291D.
Identifiers: ClinVar variation 52215 (VCV000052215.30), dbSNP rs80358911, ClinGen allele CA024527.
Genomic context (GRCh38, chr13:32,344,587, plus strand): 5'-TTAAAAACATATATGAAATATTTCTTTTTAGGAGAACCCTCAATCAAAAGAAACTTATTA[A>G]ATGAATTTGACAGGATAATAGAAAATCAAGAAAAATCCTTAAAGGCTTCAAAAAGCACTC-3'
Protein context (NP_000050.3, residues 2281-2301): GEPSIKRNLL[Asn2291Asp]EFDRIIENQE